The following is an entry in ClinVar:

ClinVar aggregate classification (germline): Pathogenic/Likely pathogenic. Review status: criteria provided, multiple submitters, no conflicts (2 of 4 stars). 3 submissions from 3 submitters: Pathogenic (2); Likely pathogenic (1). Last evaluated 2024-10-16.

Conditions:
Rare genetic deafness. Identifiers: Orphanet 96210, MedGen C5680250.

Submissions (3):

Revvity Omics, Revvity
Classification: Pathogenic. Last evaluated: 2024-10-16. Review status: criteria provided, single submitter. Criteria: ACMG Guidelines, 2015. Collection method: clinical testing. Allele origin: germline.

Labcorp Genetics (formerly Invitae), Labcorp
Classification: Pathogenic. Last evaluated: 2024-06-15. Review status: criteria provided, single submitter. Criteria: Invitae Variant Classification Sherloc (09022015). Collection method: clinical testing. Allele origin: germline.
Comment: This sequence change creates a premature translational stop signal (p.Cys652Glyfs*11) in the MYO7A gene. It is expected to result in an absent or disrupted protein product. Loss-of-function variants in MYO7A are known to be pathogenic (PMID: 8900236, 25404053). This variant is not present in population databases (gnomAD no frequency). This premature translational stop signal has been observed in individual(s) with autosomal recessive deafness (PMID: 24194196). ClinVar contains an entry for this variant (Variation ID: 43165). For these reasons, this variant has been classified as Pathogenic.

Laboratory for Molecular Medicine, Mass General Brigham Personalized Medicine
Classification: Likely pathogenic for Rare genetic deafness. Last evaluated: 2009-12-13. Review status: criteria provided, single submitter. Criteria: LMM Criteria. Collection method: clinical testing. Allele origin: germline. Observed: 4 variant alleles.

Literature cited by the submitters: PubMed 8900236 (cited by Labcorp Genetics (formerly Invitae), Labcorp); PubMed 25404053 (cited by Labcorp Genetics (formerly Invitae), Labcorp); PubMed 24194196 (cited by Labcorp Genetics (formerly Invitae), Labcorp).

NM_000260.4(MYO7A):c.1952_1953insAG (p.Cys652fs)

Gene: MYO7A (myosin VIIA; plus strand). Cytogenetic location: 11q13.5.
Variant type: Insertion.
Coding change: c.1952_1953insAG on transcript NM_000260.4 (MANE Select); coding-DNA positions 1952 to 1953, AG inserted.
Protein change: p.Cys652fs; shifts the reading frame from cysteine 652.
Molecular consequence: frameshift variant.
Genome position: GRCh38 VCF-style: chr11-77174772-T-TAG. GRCh37 (hg19) VCF-style: chr11-76885818-T-TAG.
Other names: c.1952_1953insAG, p.Cys652fs (NM_001127180.2); c.1919_1920insAG, p.Cys641fs (NM_001369365.1); short protein forms C641fs, C652fs.
Identifiers: ClinVar variation 43165 (VCV000043165.8), dbSNP rs111033510, ClinGen allele CA278637.